The following is an entry in ClinVar:

NM_001036.6(RYR3):c.5355C>A (p.Ala1785=)

Gene: RYR3 (ryanodine receptor 3; plus strand). Cytogenetic location: 15q14.
Variant type: single nucleotide variant.
Coding change: c.5355C>A on transcript NM_001036.6 (MANE Select); coding-DNA position 5355, C replaced by A.
Protein change: p.Ala1785=; no amino-acid change (alanine 1785 retained).
Molecular consequence: synonymous variant.
Genome position (GRCh38, 1-based): chr15:33,662,885, C>A. VCF-style: chr15-33662885-C-A. GRCh37 (hg19) VCF-style: chr15-33955086-C-A.
Other names: c.5355C>A, p.Ala1785= (NM_001243996.4).
Identifiers: ClinVar variation 1158139 (VCV001158139.33), dbSNP rs770898624, ClinGen allele CA7459220.

ClinVar aggregate classification (germline): Likely benign. Review status: criteria provided, multiple submitters, no conflicts (2 of 4 stars). 3 submissions from 3 submitters: Likely benign (3). Last evaluated 2024-03-04.

Conditions:
Epileptic encephalopathy. Identifiers: MedGen C0543888, HP:0200134.

gnomAD v4.1: 49 of 1,613,334 alleles (0.003%); highest among the groups gnomAD compares: Middle Eastern, 0.016%; no homozygotes.

Submissions (3):

Blueprint Genetics
Classification: Likely benign. Last evaluated: 2024-03-04. Review status: criteria provided, single submitter. Criteria: ACMG Guidelines, 2015. Collection method: clinical testing. Allele origin: germline.

Labcorp Genetics (formerly Invitae), Labcorp
Classification: Likely benign for Epileptic encephalopathy. Last evaluated: 2023-10-13. Review status: criteria provided, single submitter. Criteria: Invitae Variant Classification Sherloc (09022015). Collection method: clinical testing. Allele origin: germline.

CeGaT Center for Human Genetics Tuebingen
Classification: Likely benign. Last evaluated: 2022-07-01. Review status: criteria provided, single submitter. Criteria: CeGaT Center For Human Genetics Tuebingen Variant Classification Criteria Version 2. Collection method: clinical testing. Allele origin: germline. Affected: yes. Observed: 1 variant allele.
Comment: RYR3: BP4, BP7